The following is an entry in ClinVar:

ClinVar aggregate classification (germline): Uncertain significance (1 of 4 stars; one submission).

Allele frequency attached by ClinVar (database versions not stated): gnomAD exomes below 0.00001.
gnomAD v4.1: 2 of 1,614,058 alleles (0.00012%); highest among the groups gnomAD compares: Middle Eastern, 0.017%; no homozygotes.

Submission:

Labcorp Genetics (formerly Invitae), Labcorp
Classification: Uncertain significance. Last evaluated: 2023-03-21. Review status: criteria provided, single submitter. Criteria: Invitae Variant Classification Sherloc (09022015). Collection method: clinical testing. Allele origin: germline.
Comment: In summary, the available evidence is currently insufficient to determine the role of this variant in disease. Therefore, it has been classified as a Variant of Uncertain Significance. Advanced modeling of protein sequence and biophysical properties (such as structural, functional, and spatial information, amino acid conservation, physicochemical variation, residue mobility, and thermodynamic stability) performed at Invitae indicates that this missense variant is not expected to disrupt PLG protein function. This variant has not been reported in the literature in individuals affected with PLG-related conditions. This variant is present in population databases (no rsID available, gnomAD 0.0009%). This sequence change replaces alanine, which is neutral and non-polar, with threonine, which is neutral and polar, at codon 431 of the PLG protein (p.Ala431Thr).

NM_000301.5(PLG):c.1291G>A (p.Ala431Thr)

Gene: PLG (plasminogen; plus strand). Cytogenetic location: 6q26.
Variant type: single nucleotide variant.
Coding change: c.1291G>A on transcript NM_000301.5 (MANE Select); coding-DNA position 1291, G replaced by A.
Protein change: p.Ala431Thr; replaces alanine 431 with threonine.
Molecular consequence: missense variant.
Genome position (GRCh38, 1-based): chr6:160,731,085, G>A. VCF-style: chr6-160731085-G-A. GRCh37 (hg19) VCF-style: chr6-161152117-G-A.
Other names: short protein forms A431T.
Identifiers: ClinVar variation 2978027 (VCV002978027.3), dbSNP rs1252256392, ClinGen allele CA366363594.